The following is an entry in ClinVar:

NM_024996.7(GFM1):c.998+1G>T

Gene: GFM1 (G elongation factor mitochondrial 1; plus strand). Cytogenetic location: 3q25.32.
Variant type: single nucleotide variant.
Coding change: c.998+1G>T on transcript NM_024996.7 (MANE Select); the canonical splice donor site of the intron after coding-DNA position 998, G replaced by T.
Molecular consequence: splice donor variant.
Genome position (GRCh38, 1-based): chr3:158,653,468, G>T. VCF-style: chr3-158653468-G-T. GRCh37 (hg19) VCF-style: chr3-158371257-G-T.
Other names: c.1055+1G>T (NM_001308164.2, NM_001374355.1); c.773+1G>T (NM_001374357.1); c.881+1G>T (NM_001374356.1); c.431+1G>T (NM_001374359.1, NM_001374360.1); c.314+1G>T (NM_001374361.1); c.539+1G>T (NM_001374358.1); c.998+1G>T (NM_001308166.2).
Identifiers: ClinVar variation 4068579 (VCV004068579.3).
Genomic context (GRCh38, chr3:158,653,468, plus strand): 5'-TTTAGAATACCTCCCAAATCCATCTGAAGTCCAGAACTATGCTATTCTCAATAAAGAGGA[G>T]TAAGTCTTGAAAATTGAATCTTAGTTTATGCAGAAATACTTTCGTATTTATGCACTGTGA-3'

ClinVar aggregate classification (germline): Likely pathogenic (1 of 4 stars; one submission).

Conditions:
Hepatoencephalopathy due to combined oxidative phosphorylation defect type 1. Also called: HEPATOENCEPHALOPATHY, EARLY FATAL PROGRESSIVE. Identifiers: Orphanet 137681, MedGen C1836797, MONDO:0012191, OMIM 609060.

gnomAD v4.1: 1 of 1,609,414 alleles (0.000062%); highest among the groups gnomAD compares: African/African-American, 0.0013%; no homozygotes.

Submission:

Natera, Inc.
Classification: Likely pathogenic for Combined oxidative phosphorylation deficiency 1. Last evaluated: 2025-03-31. Review status: criteria provided, single submitter. Criteria: Natera Variant Classification Schema (03/2026). Collection method: clinical testing. Allele origin: germline.
Comment: The c.998+1G>T variant in GFM1 is a canonical splice donor site variant predicted to affect pre-mRNA splicing, which may result in an abnormal transcript and altered protein product. This variant is expected to result in nonsense mediated decay, truncation, or a dysfunctional protein product. This variant is rare in the general population with a frequency below the threshold expected for the associated phenotype(s). Given the available evidence, this variant is classified as Likely Pathogenic.